The following is an entry in ClinVar:

ClinVar aggregate classification (germline): Likely pathogenic (1 of 4 stars; one submission).

Conditions:
Kabuki syndrome 1 (KABUK1). Also called: KMT2D-Related Kabuki Syndrome. Identifiers: Orphanet 2322, MedGen CN030661, MONDO:0007843, OMIM 147920.

Submission:

MVZ Praenatalmedizin und Genetik Nuernberg
Classification: Likely pathogenic for Kabuki syndrome 1. Last evaluated: 2026-01-22. Review status: criteria provided, single submitter. Criteria: ACMG Guidelines, 2015. Collection method: clinical testing. Allele origin: germline. Affected: yes.
Comment: The variant leads to a substitution p.(Asp5028His) at a highly conserved amino acid position. Computer-based predictions (in silico) conducted for this purpose have resulted in a pathogenic assessment of the variant. However, no functional analyses are available to date. Adjacent changes at amino acid position Arg5030 have already been listed several times in ClinVar as likely pathogenic or pathogenic, taken together with information from the literature (PMID: 30459467) we assume a hot spot region. In summary, based on the current data and with consideration of the fetal phenotype, we assess this variant as likely-pathogenic.

Literature cited by the submitters: PubMed 30459467.

NM_003482.4(KMT2D):c.15082G>C (p.Asp5028His)

Gene: KMT2D (lysine methyltransferase 2D; minus strand). Cytogenetic location: 12q13.12.
Variant type: single nucleotide variant.
Coding change: c.15082G>C on transcript NM_003482.4 (MANE Select); coding-DNA position 15082, G replaced by C.
Protein change: p.Asp5028His; replaces aspartic acid 5028 with histidine.
Molecular consequence: missense variant.
Genome position (GRCh38, 1-based): chr12:49,026,884, C>G on the plus strand (G>C on the coding strand, the complement: KMT2D is on the minus strand). VCF-style: chr12-49026884-C-G. GRCh37 (hg19) VCF-style: chr12-49420667-C-G.
Other names: short protein forms D5028H.
Identifiers: ClinVar variation 4813456 (VCV004813456.1).